The following is an entry in ClinVar:

NM_000558.5(HBA1):c.60del (p.His21fs)

Genes: HBA1 (hemoglobin subunit alpha 1; plus strand), LOC106804613 (hemoglobin subunit alpha 1 recombination region; plus strand). Cytogenetic location: 16p13.3.
Variant type: Deletion.
Coding change: c.60del on transcript NM_000558.5 (MANE Select); coding-DNA position 60, one base deleted (G; older notation c.60delG).
Protein change: p.His21fs; shifts the reading frame from histidine 21.
Molecular consequence: frameshift variant.
Genome position (GRCh38, 1-based): chr16:176,776, G deleted. VCF-style (leftmost placement, unchanged base first): chr16-176775-CG-C. GRCh37 (hg19) VCF-style: chr16-226774-CG-C.
Other names: c.60delG (NM_000558.4); short protein forms H21fs.
Identifiers: ClinVar variation 3075900 (VCV003075900.2), dbSNP rs770988111, ClinGen allele CA7770228.

ClinVar aggregate classification (germline): Likely pathogenic. Review status: criteria provided, multiple submitters, no conflicts (2 of 4 stars). 2 submissions from 2 submitters: Likely pathogenic (2). Last evaluated 2025-09-15.

Conditions:
alpha Thalassemia. Also called: Alpha thalassemia spectrum. Identifiers: Orphanet 846, MedGen C0002312, MONDO:0011399, OMIM 604131.

Allele frequency attached by ClinVar (database versions not stated): ExAC 0.00024.

Submissions (2):

Natera, Inc.
Classification: Likely pathogenic for Alpha thalassemia. Last evaluated: 2025-09-15. Review status: criteria provided, single submitter. Criteria: Natera Variant Classification Schema (03/2026). Collection method: clinical testing. Allele origin: germline.
Comment: The c.60delG variant in HBA1 is a frameshift variant predicted to shift the reading frame beginning at codon 21 and leads to a stop codon 29 codons downstream. This variant is expected to result in nonsense mediated decay, truncation, or a dysfunctional protein product. This variant is rare in the general population with a frequency below the threshold expected for the associated phenotype(s). Given the available evidence, this variant is classified as Likely Pathogenic.

Laboratory for Molecular Medicine, Mass General Brigham Personalized Medicine
Classification: Likely pathogenic for alpha Thalassemia. Last evaluated: 2023-02-02. Review status: criteria provided, single submitter. Criteria: ACMG Guidelines, 2015. Collection method: clinical testing. Allele origin: germline.
Comment: The p.His21ThrfsX29 variant in HBA1 has not been reported in individuals with alpha thalasemia and was absent from large population studies. This variant is predicted to cause a frameshift, which alters the protein’s amino acid sequence beginning at 21 and leads to a premature termination codon 29 amino acids downstream. This alteration is then predicted to lead to a truncated or absent protein. Loss of function of the HBA1 gene is an established disease mechanism in autosomal recessive Alpha Thalassaemia. In summary, although additional studies are required to fully establish its clinical significance, this variant meets criteria to be classified as likely pathogenic for autosomal recessive alpha thalassemia. ACMG/AMP Criteria applied: PVS1, PM2_supporting. (This variant did not meet the variant calling quality criteria, and was included because it has been previously reported as a clinically significant variant.)